The following is an entry in ClinVar:

NM_144670.6(A2ML1):c.2053A>G (p.Asn685Asp)

Gene: A2ML1 (alpha-2-macroglobulin like 1; plus strand). Cytogenetic location: 12p13.31.
Variant type: single nucleotide variant.
Coding change: c.2053A>G on transcript NM_144670.6 (MANE Select); coding-DNA position 2053, A replaced by G.
Protein change: p.Asn685Asp; replaces asparagine 685 with aspartic acid.
Molecular consequence: missense variant.
Genome position (GRCh38, 1-based): chr12:8,849,693, A>G. VCF-style: chr12-8849693-A-G. GRCh37 (hg19) VCF-style: chr12-9002289-A-G.
Other names: c.580A>G, p.Asn194Asp (NM_001282424.3); short protein forms N194D, N685D.
Identifiers: ClinVar variation 4257478 (VCV004257478.1).

ClinVar aggregate classification (germline): Uncertain significance (1 of 4 stars; one submission).

Submission:

Ambry Genetics
Classification: Uncertain significance. Last evaluated: 2025-07-30. Review status: criteria provided, single submitter. Criteria: Ambry Variant Classification Scheme 2023. Collection method: clinical testing. Allele origin: germline.
Comment: The p.N685D variant (also known as c.2053A>G), located in coding exon 17 of the A2ML1 gene, results from an A to G substitution at nucleotide position 2053. The asparagine at codon 685 is replaced by aspartic acid, an amino acid with highly similar properties. This amino acid position is conserved. In addition, this alteration is predicted to be tolerated by in silico analysis. Based on the available evidence, the clinical significance of this variant remains unclear.